The following is an entry in ClinVar:

NC_000001.10:g.(?_216380605)_(216424450_?)del

Gene: USH2A (usherin; minus strand). Cytogenetic location: 1q41.
Variant type: Deletion.
Identifiers: ClinVar variation 1070624 (VCV001070624.8).

ClinVar aggregate classification (germline): Pathogenic (1 of 4 stars; one submission).

Submission:

Labcorp Genetics (formerly Invitae), Labcorp
Classification: Pathogenic. Last evaluated: 2022-04-14. Review status: criteria provided, single submitter. Criteria: Invitae Variant Classification Sherloc (09022015). Collection method: clinical testing. Allele origin: germline.
Comment: For these reasons, this variant has been classified as Pathogenic. A similar copy number variant has been observed in individual(s) with retinitis pigmentosa (PMID: 30924848). This variant is a gross deletion of the genomic region encompassing exon(s) 12-16 of the USH2A gene. This deletion is out-of-frame, and is expected to create a premature termination codon and result in an absent or disrupted protein product. Loss-of-function variants in USH2A are known to be pathogenic (PMID: 10729113, 10909849, 20507924, 25649381).

Literature cited by the submitters: PubMed 30924848; PubMed 10729113; PubMed 10909849; PubMed 20507924; PubMed 25649381.